The following is an entry in ClinVar:

NM_206933.4(USH2A):c.10883T>C (p.Val3628Ala)

Gene: USH2A (usherin; minus strand). Cytogenetic location: 1q41.
Variant type: single nucleotide variant.
Coding change: c.10883T>C on transcript NM_206933.4 (MANE Select); coding-DNA position 10883, T replaced by C.
Protein change: p.Val3628Ala; replaces valine 3628 with alanine.
Molecular consequence: missense variant.
Genome position (GRCh38, 1-based): chr1:215,779,899, A>G on the plus strand (T>C on the coding strand, the complement: USH2A is on the minus strand). VCF-style: chr1-215779899-A-G. GRCh37 (hg19) VCF-style: chr1-215953241-A-G.
Other names: c.10883T>C (NM_206933.2); short protein forms V3628A.
Identifiers: ClinVar variation 2202079 (VCV002202079.3), dbSNP rs751345887, ClinGen allele CA1393898.

ClinVar aggregate classification (germline): Uncertain significance. Review status: criteria provided, multiple submitters, no conflicts (2 of 4 stars). 3 submissions from 3 submitters: Uncertain significance (3). Last evaluated 2025-01-13.

Conditions:
USH2A-related disorder. Also called: USH2A-related disorders; USH2A-related condition. Identifiers: MedGen CN239332.

Allele frequency attached by ClinVar (database versions not stated): gnomAD 0.00001; gnomAD exomes 0.00001; ExAC 0.00004.
gnomAD v4.1: 20 of 1,613,626 alleles (0.0012%); highest among the groups gnomAD compares: Admixed American, 0.025%; no homozygotes.

Submissions (3):

PreventionGenetics, part of Exact Sciences
Classification: Uncertain significance for USH2A-related condition. Last evaluated: 2025-01-13. Review status: criteria provided, single submitter. Criteria: ACMG Guidelines, 2015. Collection method: clinical testing. Allele origin: germline.
Comment: The USH2A c.10883T>C variant is predicted to result in the amino acid substitution p.Val3628Ala. To our knowledge, this variant has not been reported in the literature. This variant is reported in 0.012% of alleles in individuals of Latino descent in gnomAD. At this time, the clinical significance of this variant is uncertain due to the absence of conclusive functional and genetic evidence.

Labcorp Genetics (formerly Invitae), Labcorp
Classification: Uncertain significance. Last evaluated: 2022-10-17. Review status: criteria provided, single submitter. Criteria: Invitae Variant Classification Sherloc (09022015). Collection method: clinical testing. Allele origin: germline.
Comment: This sequence change replaces valine, which is neutral and non-polar, with alanine, which is neutral and non-polar, at codon 3628 of the USH2A protein (p.Val3628Ala). This variant is present in population databases (rs751345887, gnomAD 0.01%). This variant has not been reported in the literature in individuals affected with USH2A-related conditions. Advanced modeling of protein sequence and biophysical properties (such as structural, functional, and spatial information, amino acid conservation, physicochemical variation, residue mobility, and thermodynamic stability) performed at Invitae indicates that this missense variant is not expected to disrupt USH2A protein function. In summary, the available evidence is currently insufficient to determine the role of this variant in disease. Therefore, it has been classified as a Variant of Uncertain Significance.

Blueprint Genetics
Classification: Uncertain significance. Last evaluated: 2022-04-06. Review status: criteria provided, single submitter. Criteria: ACMG Guidelines, 2015. Collection method: clinical testing. Allele origin: germline.